The following is an entry in ClinVar:

ClinVar aggregate classification (germline): Likely benign (1 of 4 stars; one submission).

Submission:

CeGaT Center for Human Genetics Tuebingen
Classification: Likely benign. Last evaluated: 2024-10-01. Review status: criteria provided, single submitter. Criteria: CeGaT Center For Human Genetics Tuebingen Variant Classification Criteria Version 2. Collection method: clinical testing. Allele origin: germline. Affected: yes. Observed: 1 variant allele.
Comment: MUC5B: BP4, BS1

NM_002458.3(MUC5B):c.13844C>T (p.Pro4615Leu)

Gene: MUC5B (mucin 5B, oligomeric mucus/gel-forming; plus strand). Cytogenetic location: 11p15.5.
Variant type: single nucleotide variant.
Coding change: c.13844C>T on transcript NM_002458.3 (MANE Select); coding-DNA position 13844, C replaced by T.
Protein change: p.Pro4615Leu; replaces proline 4615 with leucine.
Molecular consequence: missense variant.
Genome position (GRCh38, 1-based): chr11:1,250,724, C>T. VCF-style: chr11-1250724-C-T. GRCh37 (hg19) VCF-style: chr11-1271954-C-T.
Other names: short protein forms P4615L.
Identifiers: ClinVar variation 3388384 (VCV003388384.14).
Genomic context (GRCh38, chr11:1,250,724, plus strand): 5'-CTACCACAACCACGGGCTTCACAGCCACCCCCTCCTCCAGCCCAGGGACGGCACTCACGC[C>T]TCCAGTGTGGATCAGCACAACCACCACACCCACAACCACCACACCCACAACCAGTGGCTC-3'
Protein context (NP_002449.2, residues 4605-4625): PSSSPGTALT[Pro4615Leu]PVWISTTTTP